The following is an entry in ClinVar:

ClinVar aggregate classification (germline): Pathogenic/Likely pathogenic. Review status: criteria provided, multiple submitters, no conflicts (2 of 4 stars). 2 submissions from 2 submitters: Pathogenic (1); Likely pathogenic (1). Last evaluated 2024-08-07.

Conditions:
CFTR-related disorder (CFTR-RD). Also called: CFTR-related condition; CFTR-related disorders. Identifiers: MedGen C5924204, MONDO:7770004.
Cystic fibrosis (CF). Also called: MUCOVISCIDOSIS. Identifiers: Orphanet 586, MedGen C0010674, MONDO:0009061, OMIM 219700. Disease mechanism: loss of function.

Submissions (2):

Natera, Inc.
Classification: Likely pathogenic for CFTR-related disorders. Last evaluated: 2024-08-07. Review status: criteria provided, single submitter. Criteria: Natera Variant Classification Schema (03/2026). Collection method: clinical testing. Allele origin: germline.
Comment: The c.1709del variant in CFTR is a frameshift variant predicted to shift the reading frame beginning at codon 570 and leads to a stop codon 2 codons downstream. This variant is expected to result in nonsense mediated decay, truncation, or a dysfunctional protein product. This variant is rare in the general population with a frequency below the threshold expected for the associated phenotype(s). Given the available evidence, this variant is classified as Likely Pathogenic.

Labcorp Genetics (formerly Invitae), Labcorp
Classification: Pathogenic for Cystic fibrosis. Last evaluated: 2023-05-07. Review status: criteria provided, single submitter. Criteria: Invitae Variant Classification Sherloc (09022015). Collection method: clinical testing. Allele origin: germline.
Comment: For these reasons, this variant has been classified as Pathogenic. This variant has not been reported in the literature in individuals affected with CFTR-related conditions. This variant is not present in population databases (gnomAD no frequency). This sequence change creates a premature translational stop signal (p.Leu570Tyrfs*2) in the CFTR gene. It is expected to result in an absent or disrupted protein product. Loss-of-function variants in CFTR are known to be pathogenic (PMID: 1695717, 7691345, 9725922).

Literature cited by the submitters: PubMed 1695717 (cited by Labcorp Genetics (formerly Invitae), Labcorp); PubMed 7691345 (cited by Labcorp Genetics (formerly Invitae), Labcorp); PubMed 9725922 (cited by Labcorp Genetics (formerly Invitae), Labcorp).

NM_000492.4(CFTR):c.1709del (p.Leu570fs)

Gene: CFTR (CF transmembrane conductance regulator; plus strand). Cytogenetic location: 7q31.2.
Variant type: Deletion.
Coding change: c.1709del on transcript NM_000492.4 (MANE Select); coding-DNA position 1709, one base deleted (T; older notation c.1709delT).
Protein change: p.Leu570fs; shifts the reading frame from leucine 570.
Molecular consequence: frameshift variant.
Genome position (GRCh38, 1-based): chr7:117,590,382, T deleted; the last of 3 consecutive T bases (chr7:117,590,380-117,590,382); deleting any one gives the same sequence. VCF-style (leftmost placement, unchanged base first): chr7-117590379-AT-A. GRCh37 (hg19) VCF-style: chr7-117230433-AT-A.
Other names: c.1709delT, p.Leu570Tyrfs (NM_000492.3); c.1709del (NM_000492.3); short protein forms L570fs.
Identifiers: ClinVar variation 2862503 (VCV002862503.4), dbSNP rs2485107323, ClinGen allele CA2684619116.